The following is an entry in ClinVar:

ClinVar aggregate classification (germline): Benign. Review status: criteria provided, multiple submitters, no conflicts (2 of 4 stars). 3 submissions from 3 submitters: Benign (3). Last evaluated 2024-07-15.

Allele frequency attached by ClinVar (database versions not stated): TOPMed 0.45008; gnomAD 0.45026 and 0.45900; gnomAD exomes 0.45363; 1000 Genomes Project 30x 0.52514; 1000 Genomes Project 0.52975.
gnomAD v4.1: 518,696 of 1,142,760 alleles (45%); highest among the groups gnomAD compares: East Asian, 67%; 121,820 homozygotes.

Submissions (3):

Unidad de Genómica Garrahan, Hospital de Pediatría Garrahan
Classification: Benign. Last evaluated: 2024-07-15. Review status: criteria provided, single submitter. Criteria: ACMG Guidelines, 2015. Collection method: clinical testing. Allele origin: germline. Affected: no. Observed: 30 variant alleles.
Comment: This variant is classified as Benign based on local population frequency. This variant was detected in 32% of patients studied in a panel designed for Epileptic and Developmental Encephalopathy and Progressive Myoclonus Epilepsy. Number of patients: 30. Only high quality variants are reported.

GeneDx
Classification: Benign. Last evaluated: 2021-05-14. Review status: criteria provided, single submitter. Criteria: GeneDx Variant Classification Process June 2021. Collection method: clinical testing. Allele origin: germline. Affected: yes.

Breakthrough Genomics
Classification: Benign. Review status: criteria provided, single submitter. Criteria: ACMG Guidelines, 2015. Collection method: not provided. Allele origin: germline. Inheritance: Autosomal recessive inheritance. Affected: yes.

NM_004204.5(PIGQ):c.1594-116A>G

Gene: PIGQ (phosphatidylinositol glycan anchor biosynthesis class Q; plus strand). Cytogenetic location: 16p13.3.
Variant type: single nucleotide variant.
Coding change: c.1594-116A>G on transcript NM_004204.5 (MANE Select); 116 bases into the intron before coding-DNA position 1594, A replaced by G.
Molecular consequence: intron variant.
Genome position (GRCh38, 1-based): chr16:582,767, A>G. VCF-style: chr16-582767-A-G. GRCh37 (hg19) VCF-style: chr16-632767-A-G.
Other names: c.1532-116A>G (NM_148920.4).
Identifiers: ClinVar variation 1286263 (VCV001286263.4), dbSNP rs3743904, ClinGen allele CA14258215.